The following is an entry in ClinVar:

NM_001613.4(ACTA2):c.970C>T (p.Pro324Ser)

Genes: ACTA2-AS1 (ACTA2 antisense RNA 1; plus strand), ACTA2 (actin alpha 2, smooth muscle; minus strand). Cytogenetic location: 10q23.31.
Variant type: single nucleotide variant.
Coding change: c.970C>T on transcript NM_001613.4 (MANE Select); coding-DNA position 970, C replaced by T.
Protein change: p.Pro324Ser; replaces proline 324 with serine.
Molecular consequence: missense variant.
Genome position (GRCh38, 1-based): chr10:88,938,081, G>A on the plus strand (C>T on the coding strand, the complement: ACTA2 is on the minus strand). VCF-style: chr10-88938081-G-A. GRCh37 (hg19) VCF-style: chr10-90697838-G-A.
Other names: c.970C>T, p.Pro324Ser (NM_001141945.3, NM_001320855.2, NM_001406462.1 and 2 more transcripts); c.859C>T, p.Pro287Ser (NM_001406466.1); c.841C>T, p.Pro281Ser (NM_001406467.1, NM_001406468.1, NM_001406469.1); c.778C>T, p.Pro260Ser (NM_001406471.1); short protein forms P324S, P260S, P287S, P281S.
Identifiers: ClinVar variation 1349015 (VCV001349015.7), dbSNP rs2133245848, ClinGen allele CA377510687.

ClinVar aggregate classification (germline): Uncertain significance (1 of 4 stars; one submission).

Conditions:
Aortic aneurysm, familial thoracic 6 (AAT6). Also called: FAMILIAL THORACIC AORTIC ANEURYSM WITH LIVEDO RETICULARIS AND IRIS FLOCCULI. Identifiers: MedGen C2673186, MONDO:0012730, OMIM 611788.

Submission:

Labcorp Genetics (formerly Invitae), Labcorp
Classification: Uncertain significance for Aortic aneurysm, familial thoracic 6. Last evaluated: 2021-11-02. Review status: criteria provided, single submitter. Criteria: Invitae Variant Classification Sherloc (09022015). Collection method: clinical testing. Allele origin: germline.
Comment: This sequence change replaces proline, which is neutral and non-polar, with serine, which is neutral and polar, at codon 324 of the ACTA2 protein (p.Pro324Ser). This variant is not present in population databases (gnomAD no frequency). In summary, the available evidence is currently insufficient to determine the role of this variant in disease. Therefore, it has been classified as a Variant of Uncertain Significance. Advanced modeling of protein sequence and biophysical properties (such as structural, functional, and spatial information, amino acid conservation, physicochemical variation, residue mobility, and thermodynamic stability) performed at Invitae indicates that this missense variant is expected to disrupt ACTA2 protein function. This variant has not been reported in the literature in individuals affected with ACTA2-related conditions.